The following is an entry in ClinVar:

NM_004320.6(ATP2A1):c.2485A>G (p.Ile829Val)

Gene: ATP2A1 (ATPase sarcoplasmic/endoplasmic reticulum Ca2+ transporting 1; plus strand). Cytogenetic location: 16p11.2.
Variant type: single nucleotide variant.
Coding change: c.2485A>G on transcript NM_004320.6 (MANE Select); coding-DNA position 2485, A replaced by G.
Protein change: p.Ile829Val; replaces isoleucine 829 with valine.
Molecular consequence: missense variant.
Genome position (GRCh38, 1-based): chr16:28,902,347, A>G. VCF-style: chr16-28902347-A-G. GRCh37 (hg19) VCF-style: chr16-28913668-A-G.
Other names: c.2110A>G, p.Ile704Val (NM_001286075.2); c.2485A>G, p.Ile829Val (NM_173201.5); short protein forms I704V, I829V.
Identifiers: ClinVar variation 1026349 (VCV001026349.6), dbSNP rs1027094269, ClinGen allele CA279244160.

ClinVar aggregate classification (germline): Uncertain significance (1 of 4 stars; one submission).

Conditions:
Brody myopathy. Also called: BRODY DISEASE. Identifiers: Orphanet 53347, MedGen C1832918, MONDO:0010977, OMIM 601003.

Allele frequency attached by ClinVar (database versions not stated): gnomAD 0.00001; TOPMed 0.00001.

Submission:

Labcorp Genetics (formerly Invitae), Labcorp
Classification: Uncertain significance for Brody myopathy. Last evaluated: 2021-08-26. Review status: criteria provided, single submitter. Criteria: Invitae Variant Classification Sherloc (09022015). Collection method: clinical testing. Allele origin: germline.
Comment: This sequence change replaces isoleucine with valine at codon 829 of the ATP2A1 protein (p.Ile829Val). The isoleucine residue is highly conserved and there is a small physicochemical difference between isoleucine and valine. This variant is not present in population databases (ExAC no frequency). This variant has not been reported in the literature in individuals affected with ATP2A1-related conditions. Algorithms developed to predict the effect of missense changes on protein structure and function are either unavailable or do not agree on the potential impact of this missense change (SIFT: "Deleterious"; PolyPhen-2: "Probably Damaging"; Align-GVGD: "Class C0"). Algorithms developed to predict the effect of sequence changes on RNA splicing suggest that this variant may create or strengthen a splice site. In summary, the available evidence is currently insufficient to determine the role of this variant in disease. Therefore, it has been classified as a Variant of Uncertain Significance.